The following is an entry in ClinVar:

NM_001844.5(COL2A1):c.4172A>G (p.Tyr1391Cys)

Gene: COL2A1 (collagen type II alpha 1 chain; minus strand). Cytogenetic location: 12q13.11.
Variant type: single nucleotide variant.
Coding change: c.4172A>G on transcript NM_001844.5 (MANE Select); coding-DNA position 4172, A replaced by G.
Protein change: p.Tyr1391Cys; replaces tyrosine 1391 with cysteine.
Molecular consequence: missense variant.
Genome position (GRCh38, 1-based): chr12:47,974,234, T>C on the plus strand (A>G on the coding strand, the complement: COL2A1 is on the minus strand). VCF-style: chr12-47974234-T-C. GRCh37 (hg19) VCF-style: chr12-48368017-T-C.
Other names: c.3965A>G, p.Tyr1322Cys (NM_033150.3); short protein forms Y1391C, Y1322C.
Identifiers: ClinVar variation 17389 (VCV000017389.9), dbSNP rs121912889, ClinGen allele CA127170.

ClinVar aggregate classification (germline): Likely pathogenic. Review status: criteria provided, single submitter (1 of 4 stars). 3 submissions from 2 submitters: Likely pathogenic (1). 2 of the submissions do not count toward it. Last evaluated 2020-02-20.

Conditions:
Platyspondylic dysplasia, Torrance type (PLSDT). Identifiers: Orphanet 85166, MedGen C1835437, MONDO:0007895, OMIM 151210.
Spondyloperipheral dysplasia. Also called: Spondyloperipheral dysplasia-short ulna syndrome; SPONDYLOPERIPHERAL DYSPLASIA WITH SHORT ULNA. Identifiers: Orphanet 1856, MedGen C0796173, MONDO:0010078, OMIM 271700.

Submissions (3):

Labcorp Genetics (formerly Invitae), Labcorp
Classification: Likely pathogenic. Last evaluated: 2020-02-20. Review status: criteria provided, single submitter. Criteria: Invitae Variant Classification Sherloc (09022015). Collection method: clinical testing. Allele origin: germline.
Comment: In summary, the currently available evidence indicates that the variant is pathogenic, but additional data are needed to prove that conclusively. Therefore, this variant has been classified as Likely Pathogenic. Algorithms developed to predict the effect of missense changes on protein structure and function are either unavailable or do not agree on the potential impact of this missense change (SIFT: "Deleterious"; PolyPhen-2: "Not Available"; Align-GVGD: "Class C65"). This variant has been observed in individual(s) with clinical features of COL2A1-related conditions (PMID: 14729840, 17726487, Invitae). In at least one individual the variant was observed to be de novo. ClinVar contains an entry for this variant (Variation ID: 17389). This variant is not present in population databases (ExAC no frequency). This sequence change replaces tyrosine with cysteine at codon 1391 of the COL2A1 protein (p.Tyr1391Cys). The tyrosine residue is highly conserved and there is a large physicochemical difference between tyrosine and cysteine.

OMIM
Classification: Pathogenic for PLATYSPONDYLIC SKELETAL DYSPLASIA, TORRANCE TYPE. Last evaluated: 2007-12-01. Review status: no assertion criteria provided. Collection method: literature only. Allele origin: germline. Not counted in ClinVar's aggregate classification.

OMIM
Classification: Pathogenic for SPONDYLOPERIPHERAL DYSPLASIA. Last evaluated: 2007-12-01. Review status: no assertion criteria provided. Collection method: literature only. Allele origin: germline. Not counted in ClinVar's aggregate classification.

Literature cited by the submitters: PubMed 14729840 (cited by Labcorp Genetics (formerly Invitae), Labcorp and OMIM); PubMed 17726487 (cited by Labcorp Genetics (formerly Invitae), Labcorp and OMIM); PubMed 15266623 (cited by OMIM).